The following is an entry in ClinVar:

ClinVar aggregate classification (germline): Uncertain significance (1 of 4 stars; one submission).

Conditions:
Alstrom syndrome (ALMS). Identifiers: Orphanet 64, MedGen C0268425, MONDO:0008763, OMIM 203800.

Allele frequency attached by ClinVar (database versions not stated): gnomAD exomes below 0.00001; TOPMed below 0.00001.
gnomAD v4.1: 3 of 1,613,826 alleles (0.00019%); highest among the groups gnomAD compares: Non-Finnish European, 0.00025%; no homozygotes.

Submission:

Labcorp Genetics (formerly Invitae), Labcorp
Classification: Uncertain significance for Alstrom syndrome. Last evaluated: 2021-07-14. Review status: criteria provided, single submitter. Criteria: Invitae Variant Classification Sherloc (09022015). Collection method: clinical testing. Allele origin: germline.
Comment: This sequence change replaces isoleucine with valine at codon 2337 of the ALMS1 protein (p.Ile2337Val). The isoleucine residue is moderately conserved and there is a small physicochemical difference between isoleucine and valine. This variant is not present in population databases (ExAC no frequency). This variant has not been reported in the literature in individuals affected with ALMS1-related conditions. Experimental studies and prediction algorithms are not available or were not evaluated, and the functional significance of this variant is currently unknown. In summary, the available evidence is currently insufficient to determine the role of this variant in disease. Therefore, it has been classified as a Variant of Uncertain Significance.

NM_001378454.1(ALMS1):c.7006A>G (p.Ile2336Val)

Gene: ALMS1 (ALMS1 centrosome and basal body associated protein; plus strand). Cytogenetic location: 2p13.1.
Variant type: single nucleotide variant.
Coding change: c.7006A>G on transcript NM_001378454.1 (MANE Select); coding-DNA position 7006, A replaced by G.
Protein change: p.Ile2336Val; replaces isoleucine 2336 with valine.
Molecular consequence: missense variant.
Genome position (GRCh38, 1-based): chr2:73,453,533, A>G. VCF-style: chr2-73453533-A-G. GRCh37 (hg19) VCF-style: chr2-73680660-A-G.
Other names: c.7009A>G, p.Ile2337Val (NM_015120.4); short protein forms I2336V, I2337V.
Identifiers: ClinVar variation 2189992 (VCV002189992.1), dbSNP rs1671995271, ClinGen allele CA347290501.